The following is an entry in ClinVar:

ClinVar aggregate classification (germline): Uncertain significance (1 of 4 stars; one submission).

Allele frequency attached by ClinVar (database versions not stated): TOPMed below 0.00001; ExAC 0.00001; gnomAD exomes 0.00001.
gnomAD v4.1: 6 of 1,613,170 alleles (0.00037%); highest among the groups gnomAD compares: Non-Finnish European, 0.00042%; no homozygotes.

Submission:

Laboratorio de Genetica e Diagnostico Molecular, Hospital Israelita Albert Einstein
Classification: Uncertain significance. Last evaluated: 2020-02-10. Review status: criteria provided, single submitter. Criteria: ACMG Guidelines, 2015. Collection method: clinical testing. Allele origin: germline. Affected: yes.
Comment: ACMG classification criteria: PM2

NM_013246.3(CLCF1):c.22T>C (p.Ser8Pro)

Genes: CLCF1 (cardiotrophin like cytokine factor 1; minus strand), LOC100130987 (uncharacterized LOC100130987; plus strand). Cytogenetic location: 11q13.2.
Variant type: single nucleotide variant.
Coding change: c.22T>C on transcript NM_013246.3 (MANE Select); coding-DNA position 22, T replaced by C.
Protein change: p.Ser8Pro; replaces serine 8 with proline.
Molecular consequence: missense variant. On other transcripts: 5 prime UTR variant (1).
Genome position (GRCh38, 1-based): chr11:67,367,621, A>G on the plus strand (T>C on the coding strand, the complement: CLCF1 is on the minus strand). VCF-style: chr11-67367621-A-G. GRCh37 (hg19) VCF-style: chr11-67135092-A-G.
Other names: c.-9T>C (NM_001166212.2); short protein forms S8P.
Identifiers: ClinVar variation 1690798 (VCV001690798.2), dbSNP rs771570860, ClinGen allele CA6136207.